The following is an entry in ClinVar:

ClinVar aggregate classification (germline): Pathogenic/Likely pathogenic. Review status: criteria provided, multiple submitters, no conflicts (2 of 4 stars). 9 submissions from 9 submitters: Pathogenic (7); Likely pathogenic (2). Last evaluated 2025-11-03.

Conditions:
SHOX-related disorder. Also called: SHOX-related condition.
Leri-Weill dyschondrosteosis (LWD). Also called: Léri-Weill dyschondrosteosis; DYSCHONDROSTEOSIS; Leri-Weill Dyschondrosteosis (LWD). Identifiers: Orphanet 240, MedGen C0265309, MONDO:0007481, OMIM 127300.

Allele frequency attached by ClinVar (database versions not stated): ExAC 0.00001; gnomAD exomes below 0.00001; TOPMed below 0.00001.
gnomAD v4.1: 3 of 1,613,866 alleles (0.00019%); highest among the groups gnomAD compares: Non-Finnish European, 0.00017%; no homozygotes.

Submissions (9):

Athena Diagnostics
Classification: Pathogenic. Last evaluated: 2025-11-03. Review status: criteria provided, single submitter. Criteria: Athena Diagnostics Criteria. Collection method: clinical testing. Allele origin: unknown.
Comment: The frequency of this variant in the general population is consistent with pathogenicity. Multiple affected individuals have been reported with missense changes at this codon, suggesting this variant also causes disease. Assessment of experimental evidence suggests this variant results in abnormal protein function. (PMID: 15931687). The variant is located in a region that is considered important for protein function and/or structure.

PreventionGenetics, part of Exact Sciences
Classification: Pathogenic for SHOX-related condition. Last evaluated: 2025-09-17. Review status: criteria provided, single submitter. Criteria: ACMG Guidelines, 2015. Collection method: clinical testing. Allele origin: germline.
Comment: The SHOX c.518G>A variant is predicted to result in the amino acid substitution p.Arg173His. This variant has been reported in individuals with Leri-Weill dyschondrosteosis and in those who have undergone SHOX gene testing (see examples: Schneider et al. 2005. PubMed ID: 15931687; Rappold et al. 2006. PubMed ID: 17182655; PreventionGenetics, Internal Data). Functional studies support its pathogenicity (see example: Schneider et al. 2005. PubMed ID: 15931687). Other missense variants affecting the same amino acid residue (p.Arg173Leu & p.Arg173Cys) have also been reported in individuals with Leri-Weill dyschondrosteosis (see examples: Huber et al. 2001. PubMed ID: 11403039; Sabherwal et al. 2004. PubMed ID: 15173321; Bunyan et al. 2013. PubMed ID: 23636926). This variant is reported in 0.0099% of alleles in individuals of Ashkenazi Jewish descent in gnomAD. This variant is interpreted as pathogenic.

CeGaT Center for Human Genetics Tuebingen
Classification: Pathogenic. Last evaluated: 2025-04-01. Review status: criteria provided, single submitter. Criteria: CeGaT Center For Human Genetics Tuebingen Variant Classification Criteria Version 2. Collection method: clinical testing. Allele origin: germline. Affected: yes. Observed: 1 variant allele.
Comment: SHOX: PM1, PM2, PM5, PS4:Moderate, PP3, PS3:Supporting

Women's Health and Genetics/Laboratory Corporation of America, LabCorp
Classification: Pathogenic for Leri-Weill dyschondrosteosis. Last evaluated: 2023-08-02. Review status: criteria provided, single submitter. Criteria: LabCorp Variant Classification Summary - May 2015. Collection method: clinical testing. Allele origin: germline.
Comment: Variant summary: SHOX c.518G>A (p.Arg173His) results in a non-conservative amino acid change located in the Homeobox domain (IPR001356) of the encoded protein sequence. Four of five in-silico tools predict a damaging effect of the variant on protein function. The variant allele was found at a frequency of 4e-06 in 251182 control chromosomes. c.518G>A has been reported in the literature in at-least two individuals affected with Leri-Weill Dyschondrosteosis (examples: Binder_2004, Rappold_2007, Blum_2007, Hirschfeldova_2017). It was reported as a de-novo occurrence in at-least one of the individuals in the literature (Binder_2004). At least one publication reports experimental evidence evaluating an impact on protein function. The most pronounced variant effect results in loss of DNA binding, reduced dimerization ability, and impaired nuclear translocation of normal SHOX (Schneider_2005). Additionally, other variant at the Arg173 residue has been reported as associated with disease (p.Arg173Cys), suggesting that this codon is functionally important. These data indicate that the variant is very likely associated with disease. The following publications have been ascertained in the context of this evaluation (PMID: 15356038, 17047016, 17182655, 15931687, 27708272). Three submitters have cited clinical-significance assessments for this variant to ClinVar after 2014. All submitters classified the variant as pathogenic. Based on the evidence outlined above, the variant was classified as pathogenic.

Blueprint Genetics
Classification: Likely pathogenic for SHOX-related disorders. Last evaluated: 2023-04-19. Review status: criteria provided, single submitter. Criteria: ACMG Guidelines, 2015. Collection method: clinical testing. Allele origin: germline. Affected: yes. Observed: 2 variant alleles.

Clinical Genetics Laboratory, Skane University Hospital Lund
Classification: Pathogenic. Last evaluated: 2022-10-13. Review status: criteria provided, single submitter. Criteria: ACMG Guidelines, 2015. Collection method: clinical testing. Allele origin: germline. Affected: yes.

GeneDx
Classification: Pathogenic. Last evaluated: 2022-06-14. Review status: criteria provided, single submitter. Criteria: GeneDx Variant Classification Process June 2021. Collection method: clinical testing. Allele origin: germline. Affected: yes.
Comment: Published functional studies demonstrate a reduction in DNA binding and reduced dimerization ability (Schneider et al., 2005); In silico analysis, which includes protein predictors and evolutionary conservation, supports a deleterious effect; This variant is associated with the following publications: (PMID: 25363768, 15356038, 27355317, 15931687, 15726414, 17047016, 17182655, 17726696, 34011629, 31785789)

Mendelics
Classification: Pathogenic for Leri-Weill dyschondrosteosis. Last evaluated: 2022-05-04. Review status: criteria provided, single submitter. Criteria: Mendelics Assertion Criteria 2019. Collection method: clinical testing. Allele origin: germline.

Juno Genomics, Hangzhou Juno Genomics, Inc
Classification: Likely pathogenic for Leri-Weill dyschondrosteosis. Review status: criteria provided, single submitter. Criteria: ACMG Guidelines, 2015. Collection method: clinical testing. Allele origin: germline.
Comment: Absent from controls (or at extremely low frequency if recessive) in Genome Aggregation Database.;Well-established in vitro or in vivo functional studies supportive of a damaging effect on the gene or gene product.;The prevalence of the variant in affected individuals is significantly increased compared to the prevalence in controls.;Patient's phenotype or family history is highly specific for a disease with a single genetic etiology.;Assumed de novo, but without confirmation of paternity and maternity.;Novel missense change at an amino acid residue where a different missense change determined to be pathogenic has been seen before.

Literature cited by the submitters: PubMed 34011629 (cited by Athena Diagnostics); PubMed 35051175 (cited by Athena Diagnostics); PubMed 31785789 (cited by Athena Diagnostics); PubMed 35982159 (cited by Athena Diagnostics); PubMed 15931687 (cited by Athena Diagnostics and Women's Health and Genetics/Laboratory Corporation of America, LabCorp); PubMed 27708272 (cited by Athena Diagnostics and Women's Health and Genetics/Laboratory Corporation of America, LabCorp); PubMed 17182655 (cited by Athena Diagnostics and Women's Health and Genetics/Laboratory Corporation of America, LabCorp); PubMed 17047016 (cited by Athena Diagnostics and Women's Health and Genetics/Laboratory Corporation of America, LabCorp); PubMed 15356038 (cited by Athena Diagnostics and Women's Health and Genetics/Laboratory Corporation of America, LabCorp).

NM_000451.4(SHOX):c.518G>A (p.Arg173His)

Gene: SHOX (SHOX homeobox; plus strand). Cytogenetic location: Xp22.33.
Variant type: single nucleotide variant.
Coding change: c.518G>A on transcript NM_000451.4 (MANE Select); coding-DNA position 518, G replaced by A.
Protein change: p.Arg173His; replaces arginine 173 with histidine.
Molecular consequence: missense variant.
Genome position (GRCh38, 1-based): chrX:640,852, G>A. VCF-style: chrX-640852-G-A. GRCh37 (hg19) VCF-style: chrX-601587-G-A.
Other names: c.518G>A, p.Arg173His (NM_006883.2); short protein forms R173H.
Identifiers: ClinVar variation 1256555 (VCV001256555.16), dbSNP rs746801054, ClinGen allele CA10330023.
Genomic context (GRCh38, chrX:640,852, plus strand): 5'-CTTCACATCTCTCTCTGCTTCTCCCCAAGGTTTGGTTCCAGAACCGGAGAGCCAAGTGCC[G>A]CAAACAAGAGAATCAGATGCATAAAGGTGGGTGTCGGGACTGGGGGGACCTGAAGCTGGG-3'
Protein context (NP_000442.1, residues 163-183): VWFQNRRAKC[Arg173His]KQENQMHKGV